The following is an entry in ClinVar:

NM_000435.3(NOTCH3):c.382T>G (p.Cys128Gly)

Gene: NOTCH3 (notch receptor 3; minus strand). Cytogenetic location: 19p13.12.
Variant type: single nucleotide variant.
Coding change: c.382T>G on transcript NM_000435.3 (MANE Select); coding-DNA position 382, T replaced by G.
Protein change: p.Cys128Gly; replaces cysteine 128 with glycine.
Molecular consequence: missense variant.
Genome position (GRCh38, 1-based): chr19:15,192,257, A>C on the plus strand (T>G on the coding strand, the complement: NOTCH3 is on the minus strand). VCF-style: chr19-15192257-A-C. GRCh37 (hg19) VCF-style: chr19-15303068-A-C.
Other names: short protein forms C128G.
Identifiers: ClinVar variation 3899394 (VCV003899394.2).

ClinVar aggregate classification (germline): Pathogenic (1 of 4 stars; one submission).

Conditions:
Cerebral arteriopathy, autosomal dominant, with subcortical infarcts and leukoencephalopathy, type 1 (CADASIL1). Also called: CADASIL 1; CASIL; Cerebral arteriopathy with subcortical infarcts and leukoencephalopathy 1; DEMENTIA, HEREDITARY MULTIINFARCT TYPE. Identifiers: Orphanet 136, MedGen C4551768, MONDO:0000914, OMIM 125310.
Cerebral arteriopathy with subcortical infarcts and leukoencephalopathy. Also called: Cerebral autosomal dominant arteriopathy with subcortical infarcts and leukoencephalopathy. Identifiers: MedGen C0751587, MONDO:0007432.

Submission:

Genetics Laboratory, Great Ormond Street Hospital NHS Foundation Trust, North Thames Genomic Laboratory Hub
Classification: Pathogenic for CADASIL. Last evaluated: 2025-09-22. Review status: criteria provided, single submitter. Criteria: ACGS Best Practice Guidelines for Variant Classification in Rare Disease 2024 v1.2. Collection method: clinical testing. Allele origin: germline. Affected: yes.
Comment: PS4_moderate, PM2_moderate, PP3_supporting, PM5_moderate, PM1_strong, PS2_moderate